The following is an entry in ClinVar:

NM_032409.3(PINK1):c.165G>A (p.Glu55=)

Genes: MIR6084 (microRNA 6084; plus strand), PINK1 (PTEN induced kinase 1; plus strand). Cytogenetic location: 1p36.12.
Variant type: single nucleotide variant.
Coding change: c.165G>A on transcript NM_032409.3 (MANE Select); coding-DNA position 165, G replaced by A.
Protein change: p.Glu55=; no amino-acid change (glutamic acid 55 retained).
Molecular consequence: synonymous variant. On other transcripts: non-coding transcript variant (1).
Genome position (GRCh38, 1-based): chr1:20,633,713, G>A. VCF-style: chr1-20633713-G-A. GRCh37 (hg19) VCF-style: chr1-20960206-G-A.
Identifiers: ClinVar variation 294998 (VCV000294998.16), dbSNP rs537679886, ClinGen allele CA660335.

ClinVar aggregate classification (germline): Conflicting classifications of pathogenicity. Review status: criteria provided, conflicting classifications (1 of 4 stars). 3 submissions from 3 submitters: Uncertain significance (1); Likely benign (2). Last evaluated 2025-07-30.

Conditions:
Autosomal recessive early-onset Parkinson disease 6 (PARK6). Also called: PARKINSON DISEASE 6, EARLY-ONSET; PINK1-Related Parkinson Disease; PINK1 Type of Young-Onset Parkinson Disease; PARKINSON DISEASE 6, MODIFIER OF. Identifiers: Orphanet 2828, MedGen C1853833, MONDO:0011613, OMIM 605909.
PINK1-related disorder. Also called: PINK1-related condition.

Allele frequency attached by ClinVar (database versions not stated): ExAC below 0.00001; gnomAD exomes 0.00014 and 0.00033; gnomAD 0.00147 and 0.00162; 1000 Genomes Project 0.00160; 1000 Genomes Project 30x 0.00172; TOPMed 0.00181.
gnomAD v4.1: 426 of 1,524,416 alleles (0.028%); highest among the groups gnomAD compares: African/African-American, 0.55%; 2 homozygotes.

Submissions (3):

PreventionGenetics, part of Exact Sciences
Classification: Likely benign for PINK1-related condition. Last evaluated: 2025-07-30. Review status: criteria provided, single submitter. Criteria: ACMG Guidelines, 2015. Collection method: clinical testing. Allele origin: germline.
Comment: This variant is classified as likely benign based on ACMG/AMP sequence variant interpretation guidelines (Richards et al. 2015 PMID: 25741868, with internal and published modifications).

Labcorp Genetics (formerly Invitae), Labcorp
Classification: Likely benign for Autosomal recessive early-onset Parkinson disease 6. Last evaluated: 2025-07-10. Review status: criteria provided, single submitter. Criteria: Invitae Variant Classification Sherloc (09022015). Collection method: clinical testing. Allele origin: germline.

Illumina Laboratory Services, Illumina
Classification: Uncertain significance for Autosomal recessive early-onset Parkinson disease 6. Last evaluated: 2018-01-13. Review status: criteria provided, single submitter. Criteria: ICSL Variant Classification Criteria 13 December 2019. Collection method: clinical testing. Allele origin: germline.